The following is an entry in ClinVar:

NM_001211.6(BUB1B):c.1417C>G (p.Pro473Ala)

Gene: BUB1B (BUB1 mitotic checkpoint serine/threonine kinase B; plus strand). Cytogenetic location: 15q15.1.
Variant type: single nucleotide variant.
Coding change: c.1417C>G on transcript NM_001211.6 (MANE Select); coding-DNA position 1417, C replaced by G.
Protein change: p.Pro473Ala; replaces proline 473 with alanine.
Molecular consequence: missense variant.
Genome position (GRCh38, 1-based): chr15:40,200,259, C>G. VCF-style: chr15-40200259-C-G. GRCh37 (hg19) VCF-style: chr15-40492460-C-G.
Other names: short protein forms P473A.
Identifiers: ClinVar variation 2450804 (VCV002450804.2), dbSNP rs2037548844, ClinGen allele CA391689632.

ClinVar aggregate classification (germline): Uncertain significance (1 of 4 stars; one submission).

Conditions:
Inborn genetic diseases. Identifiers: MedGen C0950123, MeSH D030342.

gnomAD v4.1: 2 of 1,612,808 alleles (0.00012%); highest among the groups gnomAD compares: East Asian, 0.0045%; no homozygotes.

Submission:

Ambry Genetics
Classification: Uncertain significance for Inborn genetic diseases. Last evaluated: 2022-11-06. Review status: criteria provided, single submitter. Criteria: Ambry Variant Classification Scheme 2023. Collection method: clinical testing. Allele origin: germline.
Comment: The p.P473A variant (also known as c.1417C>G), located in coding exon 11 of the BUB1B gene, results from a C to G substitution at nucleotide position 1417. The proline at codon 473 is replaced by alanine, an amino acid with highly similar properties. This amino acid position is conserved. In addition, this alteration is predicted to be tolerated by in silico analysis. Since supporting evidence is limited at this time, the clinical significance of this alteration remains unclear.